The following is an entry in ClinVar:

ClinVar aggregate classification (germline): Uncertain significance (1 of 4 stars; one submission).

Conditions:
Myopathy, centronuclear, 2 (CNM2). Also called: MYOTUBULAR MYOPATHY, AUTOSOMAL RECESSIVE. Identifiers: Orphanet 169186, MedGen CN031787, MONDO:0009709, OMIM 255200.

Submission:

Labcorp Genetics (formerly Invitae), Labcorp
Classification: Uncertain significance for Myopathy, centronuclear, 2. Last evaluated: 2021-08-04. Review status: criteria provided, single submitter. Criteria: Invitae Variant Classification Sherloc (09022015). Collection method: clinical testing. Allele origin: germline.
Comment: In summary, the available evidence is currently insufficient to determine the role of this variant in disease. Therefore, it has been classified as a Variant of Uncertain Significance. Algorithms developed to predict the effect of missense changes on protein structure and function are either unavailable or do not agree on the potential impact of this missense change (SIFT: "Deleterious"; PolyPhen-2: "Benign"; Align-GVGD: "Class C0"). This variant has not been reported in the literature in individuals affected with BIN1-related conditions. This variant is not present in population databases (ExAC no frequency). This sequence change replaces serine with tyrosine at codon 445 of the BIN1 protein (p.Ser445Tyr). The serine residue is weakly conserved and there is a large physicochemical difference between serine and tyrosine.

NM_139343.3(BIN1):c.1334C>A (p.Ser445Tyr)

Gene: BIN1 (bridging integrator 1; minus strand). Cytogenetic location: 2q14.3.
Variant type: single nucleotide variant.
Coding change: c.1334C>A on transcript NM_139343.3 (MANE Select); coding-DNA position 1334, C replaced by A.
Protein change: p.Ser445Tyr; replaces serine 445 with tyrosine.
Molecular consequence: missense variant. On other transcripts: intron variant (9).
Genome position (GRCh38, 1-based): chr2:127,052,292, G>T on the plus strand (C>A on the coding strand, the complement: BIN1 is on the minus strand). VCF-style: chr2-127052292-G-T. GRCh37 (hg19) VCF-style: chr2-127809868-G-T.
Other names: c.1241C>A, p.Ser414Tyr (NM_001320641.2); c.1253C>A, p.Ser418Tyr (NM_001320642.1); c.1205C>A, p.Ser402Tyr (NM_139344.3); c.1073C>A, p.Ser358Tyr (NM_139345.3); c.1109C>A, p.Ser370Tyr (NM_139347.3); c.980C>A, p.Ser327Tyr (NM_139349.3); c.838-1380C>A (NM_001320634.1); c.910-1380C>A (NM_139351.3); and 7 more; short protein forms S327Y, S414Y, S445Y, S358Y, S370Y, S402Y, S418Y.
Identifiers: ClinVar variation 1492413 (VCV001492413.6), dbSNP rs1158338100, ClinGen allele CA348375823.